The following is an entry in ClinVar:

NM_145178.4(ATOH7):c.62_63delinsTT (p.Gly21Val)

Genes: ATOH7 (atonal bHLH transcription factor 7; minus strand), LOC130003943 (ATAC-STARR-seq lymphoblastoid silent region 2418; plus strand). Cytogenetic location: 10q21.3.
Variant type: Indel.
Coding change: c.62_63delinsTT on transcript NM_145178.4 (MANE Select); coding-DNA positions 62 to 63, GC replaced by TT.
Protein change: p.Gly21Val; replaces glycine 21 with valine.
Molecular consequence: missense variant.
Genome position (GRCh38, 1-based): chr10:68,231,615-68,231,616, GC replaced by AA on the plus strand (GC replaced by TT on the coding strand, the reverse complement: ATOH7 is on the minus strand). VCF-style: chr10-68231615-GC-AA. GRCh37 (hg19) VCF-style: chr10-69991372-GC-AA.
Other names: short protein forms G21V.
Identifiers: ClinVar variation 1942010 (VCV001942010.4), dbSNP rs2492043675, ClinGen allele CA2580081865.

ClinVar aggregate classification (germline): Uncertain significance (1 of 4 stars; one submission).

Submission:

Labcorp Genetics (formerly Invitae), Labcorp
Classification: Uncertain significance. Last evaluated: 2022-03-11. Review status: criteria provided, single submitter. Criteria: Invitae Variant Classification Sherloc (09022015). Collection method: clinical testing. Allele origin: germline.
Comment: This variant has not been reported in the literature in individuals affected with ATOH7-related conditions. In summary, the available evidence is currently insufficient to determine the role of this variant in disease. Therefore, it has been classified as a Variant of Uncertain Significance. Algorithms developed to predict the effect of missense changes on protein structure and function are either unavailable or do not agree on the potential impact of this missense change (SIFT: "Not Available"; PolyPhen-2: "Benign"; Align-GVGD: "Not Available"). Information on the frequency of this variant in the gnomAD database is not available, as this variant may be reported differently in the database. This sequence change replaces glycine, which is neutral and non-polar, with valine, which is neutral and non-polar, at codon 21 of the ATOH7 protein (p.Gly21Val).